The following is an entry in ClinVar:

NM_001166108.2(PALLD):c.*946C>A

Genes: CBR4 (carbonyl reductase 4; minus strand), PALLD (palladin, cytoskeletal associated protein; plus strand). Cytogenetic location: 4q32.3.
Variant type: single nucleotide variant.
Coding change: c.*946C>A on transcript NM_001166108.2 (MANE Select); 946 bases downstream of the stop codon, C replaced by A.
Molecular consequence: 3 prime UTR variant.
Genome position (GRCh38, 1-based): chr4:168,927,126, C>A. VCF-style: chr4-168927126-C-A. GRCh37 (hg19) VCF-style: chr4-169848277-C-A.
Other names: c.*741C>A (NM_001166109.2, NM_001166110.2, NM_001367568.1 and 1 more transcripts); c.*946C>A (NM_001367567.1, NM_001367570.1, NM_016081.4).
Identifiers: ClinVar variation 348054 (VCV000348054.6), dbSNP rs76997292, ClinGen allele CA10618225.

ClinVar aggregate classification (germline): Benign. Review status: criteria provided, multiple submitters, no conflicts (2 of 4 stars). 2 submissions from 2 submitters: Benign (2). Last evaluated 2018-01-12.

Conditions:
Pancreatic cancer, susceptibility to, 1. Identifiers: Orphanet 1333, MedGen C1847351, MONDO:0011739, OMIM 606856.

Allele frequency attached by ClinVar (database versions not stated): gnomAD 0.00096 and 0.00154; TOPMed 0.00172; gnomAD exomes 0.00624; 1000 Genomes Project 30x 0.00718; 1000 Genomes Project 0.00799.
gnomAD v4.1: 668 of 226,476 alleles (0.29%); highest among the groups gnomAD compares: East Asian, 4%; 15 homozygotes.

Submissions (2):

Illumina Laboratory Services, Illumina
Classification: Benign for Pancreatic cancer, susceptibility to, 1. Last evaluated: 2018-01-12. Review status: criteria provided, single submitter. Criteria: ICSL Variant Classification Criteria 13 December 2019. Collection method: clinical testing. Allele origin: germline.
Comment: This variant was observed in the ICSL laboratory as part of a predisposition screen in an ostensibly healthy population. It had not been previously curated by ICSL or reported in the Human Gene Mutation Database (HGMD: prior to June 1st, 2018), and was therefore a candidate for classification through an automated scoring system. Utilizing variant allele frequency, disease prevalence and penetrance estimates, and inheritance mode, an automated score was calculated to assess if this variant is too frequent to cause the disease. Based on the score and internal cut-off values, a variant classified as benign is not then subjected to further curation. The score for this variant resulted in a classification of benign for this disease.

Breakthrough Genomics
Classification: Benign. Review status: criteria provided, single submitter. Criteria: ACMG Guidelines, 2015. Collection method: not provided. Allele origin: germline. Inheritance: Autosomal dominant inheritance. Affected: yes.